The following is an entry in ClinVar:

NM_001267550.2(TTN):c.47961del (p.Gly15988fs)

Genes: TTN (titin; minus strand), TTN-AS1 (TTN antisense RNA 1; plus strand). Cytogenetic location: 2q31.2.
Variant type: Deletion.
Coding change: c.47961del on transcript NM_001267550.2 (MANE Select); coding-DNA position 47961, one base deleted (A; older notation c.47961delA).
Protein change: p.Gly15988fs; shifts the reading frame from glycine 15988.
Molecular consequence: frameshift variant.
Genome position (GRCh38, 1-based): chr2:178,616,928, T deleted on the plus strand (A on the coding strand, the reverse complement: TTN is on the minus strand). VCF-style (leftmost placement, unchanged base first): chr2-178616927-CT-C. GRCh37 (hg19) VCF-style: chr2-179481654-CT-C.
Other names: c.47961delA (NM_001267550.2); c.43038del, p.Gly14347fs (NM_001256850.1); c.20766del, p.Gly6923fs (NM_003319.4); c.40257del, p.Gly13420fs (NM_133378.4); c.21141del, p.Gly7048fs (NM_133432.3); c.21342del, p.Gly7115fs (NM_133437.4); short protein forms G15988fs, G7048fs, G14347fs, G13420fs, G6923fs, G7115fs.
Identifiers: ClinVar variation 523430 (VCV000523430.4), dbSNP rs1553707780, ClinGen allele CA658796075.

ClinVar aggregate classification (germline): Pathogenic. Review status: criteria provided, single submitter (1 of 4 stars). 2 submissions from 1 submitter: Pathogenic (2). Last evaluated 2017-01-01.

Conditions:
Primary dilated cardiomyopathy (DCM). Also called: Dilated Cardiomyopathy. Identifiers: Orphanet 217604, MedGen C0007193, MeSH D002311, MONDO:0005021, HP:0001644. Inheritance: Various modes of inheritance.
Low-output congestive heart failure. Identifiers: MedGen C4024201, HP:0009805.
Cardiomyopathy (CMYO). Also called: Cardiomyopathies. Identifiers: Orphanet 167848, MedGen C0878544, MONDO:0004994, HP:0001638. Inheritance: Various modes of inheritance.
Noncompaction cardiomyopathy. Identifiers: MedGen C1839832, HP:0012817.
Tibial muscular dystrophy (TMD). Also called: Udd Distal Myopathy – Tibial Muscular Dystrophy; Tibial muscular dystrophy, tardive; UDD MYOPATHY. Identifiers: Orphanet 609, MedGen C1838244, MONDO:0010870, OMIM 600334.

Submissions (2):

Centre for Mendelian Genomics, University Medical Centre Ljubljana
Classification: Pathogenic for Cardiomyopathy; Primary dilated cardiomyopathy; Low-output congestive heart failure; Noncompaction cardiomyopathy. Last evaluated: 2017-01-01. Review status: criteria provided, single submitter. Criteria: ACMG Guidelines, 2015. Collection method: clinical testing. Allele origin: unknown. Affected: yes.

Centre for Mendelian Genomics, University Medical Centre Ljubljana
Classification: Pathogenic for Tibial muscular dystrophy. Last evaluated: 2016-01-01. Review status: criteria provided, single submitter. Criteria: ACMG Guidelines, 2015. Collection method: clinical testing. Allele origin: unknown. Affected: yes.
Comment: This variant was classified as: Pathogenic. The following ACMG criteria were applied in classifying this variant: PVS1,PM6,PM2.